The following is an entry in ClinVar:

NM_000038.6(APC):c.5473G>T (p.Asp1825Tyr)

Gene: APC (APC regulator of Wnt signaling pathway; plus strand). Cytogenetic location: 5q22.2.
Variant type: single nucleotide variant.
Coding change: c.5473G>T on transcript NM_000038.6 (MANE Select); coding-DNA position 5473, G replaced by T.
Protein change: p.Asp1825Tyr; replaces aspartic acid 1825 with tyrosine.
Molecular consequence: missense variant.
Genome position (GRCh38, 1-based): chr5:112,841,067, G>T. VCF-style: chr5-112841067-G-T. GRCh37 (hg19) VCF-style: chr5-112176764-G-T.
Other names: c.5473G>T, p.Asp1825Tyr (NM_001127510.3, NM_001354895.2); c.5419G>T, p.Asp1807Tyr (NM_001127511.3); c.5527G>T, p.Asp1843Tyr (NM_001354896.2); c.5503G>T, p.Asp1835Tyr (NM_001354897.2); c.5398G>T, p.Asp1800Tyr (NM_001354898.2); c.5389G>T, p.Asp1797Tyr (NM_001354899.2); c.5350G>T, p.Asp1784Tyr (NM_001354900.2); c.5296G>T, p.Asp1766Tyr (NM_001354901.2); and 5 more; short protein forms D1807Y, D1825Y, D1734Y, D1797Y, D1800Y, D1835Y, D1843Y, D1665Y.
Identifiers: ClinVar variation 559951 (VCV000559951.4), dbSNP rs1203079846, ClinGen allele CA16033306.
Genomic context (GRCh38, chr5:112,841,067, plus strand): 5'-TTCTCAGACAACAAAGATTCAAAGAAACAGAATTTGAAAAATAATTCCAAGGTCTTCAAT[G>T]ATAAGCTCCCAAATAATGAAGATAGAGTCAGAGGAAGTTTTGCTTTTGATTCACCTCATC-3'
Protein context (NP_000029.2, residues 1815-1835): NLKNNSKVFN[Asp1825Tyr]KLPNNEDRVR

ClinVar aggregate classification (germline): Uncertain significance. Review status: criteria provided, single submitter (1 of 4 stars). 2 submissions from 2 submitters: Uncertain significance (1). 1 of the submissions does not count toward it. Last evaluated 2022-11-29.

Conditions:
Gastrointestinal stromal tumor of small intestine. Also called: Small Intestinal Gastrointestinal Stromal Tumor. Identifiers: MedGen C1335996.
Familial adenomatous polyposis 1 (FAP1). Also called: FAMILIAL ADENOMATOUS POLYPOSIS 1, ATTENUATED; POLYPOSIS, ADENOMATOUS INTESTINAL. Identifiers: MedGen C2713442, MONDO:0021056, OMIM 175100. Disease mechanism: loss of function.

Submissions (2):

Labcorp Genetics (formerly Invitae), Labcorp
Classification: Uncertain significance for Familial adenomatous polyposis 1. Last evaluated: 2022-11-29. Review status: criteria provided, single submitter. Criteria: Invitae Variant Classification Sherloc (09022015). Collection method: clinical testing. Allele origin: germline.
Comment: This sequence change replaces aspartic acid, which is acidic and polar, with tyrosine, which is neutral and polar, at codon 1825 of the APC protein (p.Asp1825Tyr). In summary, the available evidence is currently insufficient to determine the role of this variant in disease. Therefore, it has been classified as a Variant of Uncertain Significance. Advanced modeling of protein sequence and biophysical properties (such as structural, functional, and spatial information, amino acid conservation, physicochemical variation, residue mobility, and thermodynamic stability) performed at Invitae indicates that this missense variant is not expected to disrupt APC protein function. ClinVar contains an entry for this variant (Variation ID: 559951). This variant has not been reported in the literature in individuals affected with APC-related conditions. This variant is not present in population databases (gnomAD no frequency).

3DMed Clinical Laboratory Inc
Classification: Uncertain significance for Small Intestinal Gastrointestinal Stromal Tumor. Last evaluated: 2017-06-14. Review status: no assertion criteria provided. Criteria: ACMG Guidelines, 2015. Collection method: clinical testing. Allele origin: germline. Affected: yes. Not counted in ClinVar's aggregate classification.